The following is an entry in ClinVar:

NM_004655.4(AXIN2):c.1607C>T (p.Thr536Met)

Gene: AXIN2 (axin 2; minus strand). Cytogenetic location: 17q24.1.
Variant type: single nucleotide variant.
Coding change: c.1607C>T on transcript NM_004655.4 (MANE Select); coding-DNA position 1607, C replaced by T.
Protein change: p.Thr536Met; replaces threonine 536 with methionine.
Molecular consequence: missense variant.
Genome position (GRCh38, 1-based): chr17:65,537,429, G>A on the plus strand (C>T on the coding strand, the complement: AXIN2 is on the minus strand). VCF-style: chr17-65537429-G-A. GRCh37 (hg19) VCF-style: chr17-63533547-G-A.
Other names: c.1607C>T (LRG_296t1); c.1607C>T, p.Thr536Met (NM_001363813.1); short protein forms T536M.
Identifiers: ClinVar variation 652743 (VCV000652743.13), dbSNP rs750084404, ClinGen allele CA8718603.
Genomic context (GRCh38, chr17:65,537,429, plus strand): 5'-TTGCATTTCGAGTAGCAGTAATACTCGCTGCCCCCAGGGCAGAAGCAGTGCACCCGCTGC[G>A]TGGCCTCCGCCTCGATCTCCTCCTTGGTCTTGGGGACGGCATGGTGGTGGATGTAGTGGT-3'
Protein context (NP_004646.3, residues 526-546): KTKEEIEAEA[Thr536Met]QRVHCFCPGG

ClinVar aggregate classification (germline): Uncertain significance. Review status: criteria provided, multiple submitters, no conflicts (2 of 4 stars). 2 submissions from 2 submitters: Uncertain significance (2). Last evaluated 2025-04-06.

Conditions:
Oligodontia-cancer predisposition syndrome. Also called: TOOTH AGENESIS-COLORECTAL CANCER SYNDROME. Identifiers: Orphanet 300576, MedGen C1837750, MONDO:0012075, OMIM 608615. Disease mechanism: loss of function.
Hereditary cancer-predisposing syndrome. Also called: Neoplastic Syndromes, Hereditary; Tumor predisposition; Hereditary Cancer Syndrome; Hereditary neoplastic syndrome. Identifiers: Orphanet 140162, MedGen C0027672, MeSH D009386, MONDO:0015356.

Allele frequency attached by ClinVar (database versions not stated): gnomAD exomes below 0.00001 and 0.00002; TOPMed below 0.00001; ExAC 0.00001.
gnomAD v4.1: 4 of 1,614,050 alleles (0.00025%); highest among the groups gnomAD compares: Admixed American, 0.005%; no homozygotes.

Submissions (2):

Labcorp Genetics (formerly Invitae), Labcorp
Classification: Uncertain significance for Oligodontia-cancer predisposition syndrome. Last evaluated: 2025-04-06. Review status: criteria provided, single submitter. Criteria: Invitae Variant Classification Sherloc (09022015). Collection method: clinical testing. Allele origin: germline.
Comment: This sequence change replaces threonine, which is neutral and polar, with methionine, which is neutral and non-polar, at codon 536 of the AXIN2 protein (p.Thr536Met). This variant is present in population databases (rs750084404, gnomAD 0.009%). This variant has not been reported in the literature in individuals affected with AXIN2-related conditions. ClinVar contains an entry for this variant (Variation ID: 652743). Invitae Evidence Modeling of protein sequence and biophysical properties (such as structural, functional, and spatial information, amino acid conservation, physicochemical variation, residue mobility, and thermodynamic stability) indicates that this missense variant is not expected to disrupt AXIN2 protein function with a negative predictive value of 80%. In summary, the available evidence is currently insufficient to determine the role of this variant in disease. Therefore, it has been classified as a Variant of Uncertain Significance.

Ambry Genetics
Classification: Uncertain significance for Hereditary cancer-predisposing syndrome. Last evaluated: 2024-03-27. Review status: criteria provided, single submitter. Criteria: Ambry Variant Classification Scheme 2023. Collection method: clinical testing. Allele origin: germline.
Comment: The p.T536M variant (also known as c.1607C>T), located in coding exon 5 of the AXIN2 gene, results from a C to T substitution at nucleotide position 1607. The threonine at codon 536 is replaced by methionine, an amino acid with similar properties. This amino acid position is poorly conserved in available vertebrate species. In addition, this alteration is predicted to be tolerated by in silico analysis. Since supporting evidence is limited at this time, the clinical significance of this alteration remains unclear.